The following is an entry in ClinVar:

NM_005219.5(DIAPH1):c.1769G>A (p.Gly590Asp)

Gene: DIAPH1 (diaphanous related formin 1; minus strand). Cytogenetic location: 5q31.3.
Variant type: single nucleotide variant.
Coding change: c.1769G>A on transcript NM_005219.5 (MANE Select); coding-DNA position 1769, G replaced by A.
Protein change: p.Gly590Asp; replaces glycine 590 with aspartic acid.
Molecular consequence: missense variant.
Genome position (GRCh38, 1-based): chr5:141,574,081, C>T on the plus strand (G>A on the coding strand, the complement: DIAPH1 is on the minus strand). VCF-style: chr5-141574081-C-T. GRCh37 (hg19) VCF-style: chr5-140953648-C-T.
Other names: c.1742G>A, p.Gly581Asp (NM_001079812.3); c.1769G>A, p.Gly590Asp (NM_001314007.2); c.1769G>A (NM_005219.4); short protein forms G590D, G581D.
Identifiers: ClinVar variation 289391 (VCV000289391.13), dbSNP rs189809247, ClinGen allele CA3479215.

ClinVar aggregate classification (germline): Uncertain significance. Review status: criteria provided, multiple submitters, no conflicts (2 of 4 stars). 3 submissions from 3 submitters: Uncertain significance (3). Last evaluated 2025-02-19.

Conditions:
Autosomal dominant nonsyndromic hearing loss 1. Also called: KONIGSMARK SYNDROME; DEAFNESS, AUTOSOMAL DOMINANT 1, WITH OR WITHOUT THROMBOCYTOPENIA. Identifiers: Orphanet 90635, MedGen C1852282, MONDO:0007424, OMIM 124900.
Progressive microcephaly-seizures-cortical blindness-developmental delay syndrome. Also called: Seizures, cortical blindness, and microcephaly syndrome. Identifiers: Orphanet 477814, MedGen C5567650, MONDO:0014714, OMIM 616632.

Allele frequency attached by ClinVar (database versions not stated): TOPMed 0.00006; 1000 Genomes Project 30x 0.00016.
gnomAD v4.1: 21 of 1,612,140 alleles (0.0013%); highest among the groups gnomAD compares: East Asian, 0.042%; no homozygotes.

Submissions (3):

Labcorp Genetics (formerly Invitae), Labcorp
Classification: Uncertain significance for Progressive microcephaly-seizures-cortical blindness-developmental delay syndrome; Autosomal dominant nonsyndromic hearing loss 1. Last evaluated: 2025-02-19. Review status: criteria provided, single submitter. Criteria: Invitae Variant Classification Sherloc (09022015). Collection method: clinical testing. Allele origin: germline.
Comment: This sequence change replaces glycine, which is neutral and non-polar, with aspartic acid, which is acidic and polar, at codon 590 of the DIAPH1 protein (p.Gly590Asp). This variant is present in population databases (rs189809247, gnomAD 0.05%). This variant has not been reported in the literature in individuals affected with DIAPH1-related conditions. ClinVar contains an entry for this variant (Variation ID: 289391). Experimental studies and prediction algorithms are not available or were not evaluated, and the functional significance of this variant is currently unknown. In summary, the available evidence is currently insufficient to determine the role of this variant in disease. Therefore, it has been classified as a Variant of Uncertain Significance.

GeneDx
Classification: Uncertain significance. Last evaluated: 2024-09-12. Review status: criteria provided, single submitter. Criteria: GeneDx Variant Classification Process June 2021. Collection method: clinical testing. Allele origin: germline. Affected: yes.
Comment: In silico analysis indicates that this missense variant does not alter protein structure/function; Has not been previously published as pathogenic or benign to our knowledge

Eurofins Ntd Llc (ga)
Classification: Uncertain significance. Last evaluated: 2016-08-03. Review status: criteria provided, single submitter. Criteria: EGL Classification Definitions 2015. Collection method: clinical testing. Allele origin: germline. Observed: 1 variant allele, 1 heterozygote.